The following is an entry in ClinVar:

NM_206933.4(USH2A):c.7018_7019del (p.Gln2340fs)

Gene: USH2A (usherin; minus strand). Cytogenetic location: 1q41.
Variant type: Microsatellite.
Coding change: c.7018_7019del on transcript NM_206933.4 (MANE Select); coding-DNA positions 7018 to 7019, 2 bases deleted (CA; older notation c.7018_7019delCA).
Protein change: p.Gln2340fs; shifts the reading frame from glutamine 2340.
Molecular consequence: frameshift variant.
Genome position (GRCh38, 1-based): chr1:215,965,418-215,965,419, TG deleted on the plus strand (CA on the coding strand, the reverse complement: USH2A is on the minus strand); deleting any 2 consecutive bases within chr1:215,965,418-215,965,422 gives the same sequence; the c. name uses the placement nearest the transcript's 3' end. VCF-style (leftmost placement, unchanged base first): chr1-215965417-CTG-C. GRCh37 (hg19) VCF-style: chr1-216138759-CTG-C.
Other names: short protein forms Q2340fs.
Identifiers: ClinVar variation 4694660 (VCV004694660.1).

ClinVar aggregate classification (germline): Pathogenic (1 of 4 stars; one submission).

Submission:

Labcorp Genetics (formerly Invitae), Labcorp
Classification: Pathogenic. Last evaluated: 2025-09-07. Review status: criteria provided, single submitter. Criteria: Invitae Variant Classification Sherloc (09022015). Collection method: clinical testing. Allele origin: germline.
Comment: This sequence change creates a premature translational stop signal (p.Gln2340Glyfs*16) in the USH2A gene. It is expected to result in an absent or disrupted protein product. Loss-of-function variants in USH2A are known to be pathogenic (PMID: 10729113, 10909849, 20507924, 25649381). This variant is not present in population databases (gnomAD no frequency). This premature translational stop signal has been observed in individual(s) with Usher syndrome (PMID: 32188678). For these reasons, this variant has been classified as Pathogenic.

Literature cited by the submitters: PubMed 10729113; PubMed 10909849; PubMed 20507924; PubMed 25649381; PubMed 32188678.